The following is an entry in ClinVar:

ClinVar aggregate classification (germline): Benign/Likely benign. Review status: criteria provided, multiple submitters, no conflicts (2 of 4 stars). 5 submissions from 5 submitters: Benign (4); Likely benign (1). Last evaluated 2026-05-13.

Conditions:
GHRHR-related disorder. Also called: GHRHR-related condition.
Isolated growth hormone deficiency type IB (IGHD1B). Also called: IGHD IB; IGHD 1B. Identifiers: Orphanet 231671, Orphanet 631, MedGen C2748571, MONDO:0013006, OMIM 612781.

Allele frequency attached by ClinVar (database versions not stated): ESP Exome Variant Server 0.00038; gnomAD 0.00225 and 0.00291; TOPMed 0.00331; ExAC 0.00572; gnomAD exomes 0.00621; 1000 Genomes Project 30x 0.01124; 1000 Genomes Project 0.01338.
gnomAD v4.1: 3,143 of 1,614,008 alleles (0.19%); highest among the groups gnomAD compares: East Asian, 5.2%; 100 homozygotes.

Submissions (5):

Women's Health and Genetics/Laboratory Corporation of America, LabCorp
Classification: Likely benign. Last evaluated: 2026-05-13. Review status: criteria provided, single submitter. Criteria: LabCorp Variant Classification Summary - May 2015. Collection method: clinical testing. Allele origin: germline.

Labcorp Genetics (formerly Invitae), Labcorp
Classification: Benign. Last evaluated: 2026-01-26. Review status: criteria provided, single submitter. Criteria: Invitae Variant Classification Sherloc (09022015). Collection method: clinical testing. Allele origin: germline.

PreventionGenetics, part of Exact Sciences
Classification: Benign for GHRHR-related condition. Last evaluated: 2025-09-04. Review status: criteria provided, single submitter. Criteria: ACMG Guidelines, 2015. Collection method: clinical testing. Allele origin: germline.
Comment: This variant is classified as benign based on ACMG/AMP sequence variant interpretation guidelines (Richards et al. 2015 PMID: 25741868, with internal and published modifications).

Illumina Laboratory Services, Illumina
Classification: Benign for Isolated growth hormone deficiency type IB. Last evaluated: 2017-04-27. Review status: criteria provided, single submitter. Criteria: ICSL Variant Classification Criteria 13 December 2019. Collection method: clinical testing. Allele origin: germline.
Comment: This variant was observed as part of a predisposition screen in an ostensibly healthy population. A literature search was performed for the gene, cDNA change, and amino acid change (where applicable). Publications were found based on this search. The evidence from the literature, in combination with allele frequency data from public databases where available, was sufficient to rule this variant out of causing disease. Therefore, this variant is classified as benign.

Eurofins Ntd Llc (ga)
Classification: Benign. Last evaluated: 2015-02-16. Review status: criteria provided, single submitter. Criteria: EGL Classification Definitions 2015. Collection method: clinical testing. Allele origin: germline. Observed: 1 variant allele, 1 heterozygote.

Literature cited by the submitters: PubMed 11502843 (cited by Illumina Laboratory Services, Illumina); PubMed 21044116 (cited by Illumina Laboratory Services, Illumina); PubMed 11298081 (cited by Illumina Laboratory Services, Illumina).

NM_000823.4(GHRHR):c.673G>A (p.Val225Ile)

Gene: GHRHR (growth hormone releasing hormone receptor; plus strand). Cytogenetic location: 7p14.3.
Variant type: single nucleotide variant.
Coding change: c.673G>A on transcript NM_000823.4 (MANE Select); coding-DNA position 673, G replaced by A.
Protein change: p.Val225Ile; replaces valine 225 with isoleucine.
Molecular consequence: missense variant.
Genome position (GRCh38, 1-based): chr7:30,974,060, G>A. VCF-style: chr7-30974060-G-A. GRCh37 (hg19) VCF-style: chr7-31013675-G-A.
Other names: short protein forms V225I.
Identifiers: ClinVar variation 198437 (VCV000198437.20), dbSNP rs28371560, ClinGen allele CA203435.
Genomic context (GRCh38, chr7:30,974,060, plus strand): 5'-TCTGTGGCCGCCTCCCATTTCGCCACCATGACCAACTTCAGCTGGCTGTTGGCAGAAGCC[G>A]TCTACCTGAACTGCCTCCTGGCCTCCACCTCCCCCAGCTCAAGGAGAGCCTTCTGGTGGC-3'
Protein context (NP_000814.2, residues 215-235): TNFSWLLAEA[Val225Ile]YLNCLLASTS